The following is an entry in ClinVar:

ClinVar aggregate classification (germline): Pathogenic (0 of 4 stars; one submission).

Conditions:
Angelman syndrome (AS). Also called: HAPPY PUPPET SYNDROME. Identifiers: Orphanet 72, MedGen C0162635, MONDO:0007113, OMIM 105830. Disease mechanism: loss of function. Inheritance: AS is caused by disruption of maternally imprinted UBE3A located within the 15q11.2-q13 Angelman syndrome/Prader-Willi syndrome (AS/PWS) region., imprinting disorder.

Submission:

Baylor Genetics
Classification: Pathogenic for Angelman Syndrome. Last evaluated: 2014-02-14. Review status: no assertion criteria provided. Collection method: clinical testing. Allele origin: de novo. Affected: yes. Observed: 1 variant allele. Study: UBE3A Mutation Study.
Comment: Data collected from clinical UBE3A sequence analysis results

Literature cited by the submitters: PubMed 25212744.

NM_130839.5(UBE3A):c.1810G>C (p.Glu604Gln)

Genes: SNHG14 (small nucleolar RNA host gene 14; plus strand), UBE3A (ubiquitin protein ligase E3A; minus strand). Cytogenetic location: 15q11.2.
Variant type: single nucleotide variant.
Coding change: c.1810G>C on transcript NM_130839.5 (MANE Select); coding-DNA position 1810, G replaced by C.
Protein change: p.Glu604Gln; replaces glutamic acid 604 with glutamine.
Molecular consequence: missense variant. On other transcripts: non-coding transcript variant (1).
Genome position (GRCh38, 1-based): chr15:25,356,840, C>G on the plus strand (G>C on the coding strand, the complement: UBE3A is on the minus strand). VCF-style: chr15-25356840-C-G. GRCh37 (hg19) VCF-style: chr15-25601987-C-G.
Other names: c.1819G>C, p.Glu607Gln (NM_000462.5); c.1810G>C, p.Glu604Gln (NM_001354505.1, NM_001354538.2, NM_001354545.2); c.1750G>C, p.Glu584Gln (NM_001354506.2, NM_001354507.2, NM_001354508.2 and 17 more transcripts); c.1633G>C, p.Glu545Gln (NM_001354546.2); c.559G>C, p.Glu187Gln (NM_001354550.2); c.499G>C, p.Glu167Gln (NM_001354551.2); short protein forms E584Q, E604Q, E167Q, E545Q, E187Q, E607Q.
Identifiers: ClinVar variation 155988 (VCV000155988.1), dbSNP rs587781235, ClinGen allele CA333372.